The following is an entry in ClinVar:

NM_198578.4(LRRK2):c.3984G>C (p.Lys1328Asn)

Gene: LRRK2 (leucine rich repeat kinase 2; plus strand). Cytogenetic location: 12q12.
Variant type: single nucleotide variant.
Coding change: c.3984G>C on transcript NM_198578.4 (MANE Select); coding-DNA position 3984, G replaced by C.
Protein change: p.Lys1328Asn; replaces lysine 1328 with asparagine.
Molecular consequence: missense variant.
Genome position (GRCh38, 1-based): chr12:40,308,491, G>C. VCF-style: chr12-40308491-G-C. GRCh37 (hg19) VCF-style: chr12-40702293-G-C.
Other names: short protein forms K1328N.
Identifiers: ClinVar variation 1736723 (VCV001736723.2), dbSNP rs2499811798, ClinGen allele CA384417499.
Genomic context (GRCh38, chr12:40,308,491, plus strand): 5'-CAGTTTATTATTTTATTTTTATCTTTCAAATACTAGGTTTCTTCAACAGCGATTAAAAAA[G>C]GCTGTGCCTTATAACCGAATGAAACTTATGATTGTGGGAAATACTGGGAGTGGTAAAACC-3'
Protein context (NP_940980.4, residues 1318-1338): IIRFLQQRLK[Lys1328Asn]AVPYNRMKLM

ClinVar aggregate classification (germline): Uncertain significance (1 of 4 stars; one submission).

Conditions:
Inborn genetic diseases. Identifiers: MedGen C0950123, MeSH D030342.

Submission:

Ambry Genetics
Classification: Uncertain significance for Inborn genetic diseases. Last evaluated: 2022-02-07. Review status: criteria provided, single submitter. Criteria: Ambry Variant Classification Scheme 2023. Collection method: clinical testing. Allele origin: germline.
Comment: The p.K1328N variant (also known as c.3984G>C), located in coding exon 29 of the LRRK2 gene, results from a G to C substitution at nucleotide position 3984. The lysine at codon 1328 is replaced by asparagine, an amino acid with similar properties. This amino acid position is conserved. In addition, this alteration is predicted to be tolerated by in silico analysis. Since supporting evidence is limited at this time, the clinical significance of this alteration remains unclear.